The following is an entry in ClinVar:

ClinVar aggregate classification (germline): Uncertain significance (1 of 4 stars; one submission).

Conditions:
Immunodeficiency, common variable, 10. Also called: DEFICIT IN ANTERIOR PITUITARY FUNCTION AND VARIABLE IMMUNODEFICIENCY; IMMUNODEFICIENCY, COMMON VARIABLE, WITH CENTRAL ADRENAL INSUFFICIENCY. Identifiers: MedGen C3809991, MONDO:0014260, OMIM 615577.

Allele frequency attached by ClinVar (database versions not stated): gnomAD exomes below 0.00001; ExAC 0.00001.

Submission:

Labcorp Genetics (formerly Invitae), Labcorp
Classification: Uncertain significance for Immunodeficiency, common variable, 10. Last evaluated: 2022-08-23. Review status: criteria provided, single submitter. Criteria: Invitae Variant Classification Sherloc (09022015). Collection method: clinical testing. Allele origin: germline.
Comment: The frequency data for this variant in the population databases is considered unreliable, as metrics indicate poor data quality at this position in the gnomAD database. This sequence change falls in intron 16 of the NFKB2 gene. It does not directly change the encoded amino acid sequence of the NFKB2 protein. It affects a nucleotide within the consensus splice site. This variant has not been reported in the literature in individuals affected with NFKB2-related conditions. In summary, the available evidence is currently insufficient to determine the role of this variant in disease. Therefore, it has been classified as a Variant of Uncertain Significance. Variants that disrupt the consensus splice site are a relatively common cause of aberrant splicing (PMID: 17576681, 9536098). Algorithms developed to predict the effect of sequence changes on RNA splicing suggest that this variant may disrupt the consensus splice site. ClinVar contains an entry for this variant (Variation ID: 1345462).

Literature cited by the submitters: PubMed 17576681; PubMed 9536098.

NM_001322934.2(NFKB2):c.1798+6C>T

Gene: NFKB2 (nuclear factor kappa B subunit 2; plus strand). Cytogenetic location: 10q24.32.
Variant type: single nucleotide variant.
Coding change: c.1798+6C>T on transcript NM_001322934.2 (MANE Select); 6 bases into the intron after coding-DNA position 1798, C replaced by T.
Molecular consequence: intron variant.
Genome position (GRCh38, 1-based): chr10:102,400,497, C>T. VCF-style: chr10-102400497-C-T. GRCh37 (hg19) VCF-style: chr10-104160254-C-T.
Other names: c.1798+6C>T (NM_001288724.1, NM_001077494.3, NM_001261403.3 and 1 more transcripts); c.1672+6C>T (NM_001322935.1).
Identifiers: ClinVar variation 1345462 (VCV001345462.6), dbSNP rs766709208, ClinGen allele CA5664889.